The following is an entry in ClinVar:

NM_006556.4(PMVK):c.62G>T (p.Gly21Val)

Gene: PMVK (phosphomevalonate kinase; minus strand). Cytogenetic location: 1q21.3.
Variant type: single nucleotide variant.
Coding change: c.62G>T on transcript NM_006556.4 (MANE Select); coding-DNA position 62, G replaced by T.
Protein change: p.Gly21Val; replaces glycine 21 with valine.
Molecular consequence: missense variant. On other transcripts: 5 prime UTR variant (2), intron variant (1).
Genome position (GRCh38, 1-based): chr1:154,936,624, C>A on the plus strand (G>T on the coding strand, the complement: PMVK is on the minus strand). VCF-style: chr1-154936624-C-A. GRCh37 (hg19) VCF-style: chr1-154909100-C-A.
Other names: c.-177G>T (NM_001323011.3); c.-45G>T (NM_001348696.2); c.-130-4209G>T (NM_001323012.3); short protein forms G21V.
Identifiers: ClinVar variation 4829203 (VCV004829203.1).
Genomic context (GRCh38, chr1:154,936,624, plus strand): 5'-CTTCCACCTTTCCCGCCTCACGGACACCTGCTCTGCAGCGCCTCGGTCACGAAGTCCTTC[C>A]CGGATTTCCTCTTGCCGCTGAACAGCAGTACCAGCCGCGGGGCGCCTCCCAGCGGGGCCA-3'
Protein context (NP_006547.1, residues 11-31): VLLFSGKRKS[Gly21Val]KDFVTEALQS

ClinVar aggregate classification (germline): Uncertain significance (1 of 4 stars; one submission).

Conditions:
Inborn genetic diseases. Identifiers: MedGen C0950123, MeSH D030342.

gnomAD v4.1: 19 of 1,609,172 alleles (0.0012%); highest among the groups gnomAD compares: Non-Finnish European, 0.0016%; no homozygotes.

Submission:

Ambry Genetics
Classification: Uncertain significance for Inborn genetic diseases. Last evaluated: 2026-01-21. Review status: criteria provided, single submitter. Criteria: Ambry Variant Classification Scheme 2023. Collection method: clinical testing. Allele origin: germline.
Comment: The c.62G>T (p.G21V) alteration is located in exon 1 (coding exon 1) of the PMVK gene. This alteration results from a G to T substitution at nucleotide position 62, causing the glycine (G) at amino acid position 21 to be replaced by a valine (V). Based on data from gnomAD, the T allele has an overall frequency of <0.001% (1/238724) total alleles studied. The highest observed frequency was <0.001% (/) of alleles. Based on insufficient or conflicting evidence, the clinical significance of this alteration remains unclear.